The following is an entry in ClinVar:

NM_005876.5(SPEG):c.7627A>G (p.Ser2543Gly)

Genes: ASIC4-AS1 (ASIC4 antisense RNA 1; minus strand), SPEG (striated muscle enriched protein kinase; plus strand). Cytogenetic location: 2q35.
Variant type: single nucleotide variant.
Coding change: c.7627A>G on transcript NM_005876.5 (MANE Select); coding-DNA position 7627, A replaced by G.
Protein change: p.Ser2543Gly; replaces serine 2543 with glycine.
Molecular consequence: missense variant.
Genome position (GRCh38, 1-based): chr2:219,485,363, A>G. VCF-style: chr2-219485363-A-G. GRCh37 (hg19) VCF-style: chr2-220350085-A-G.
Other names: short protein forms S2543G.
Identifiers: ClinVar variation 1422964 (VCV001422964.8), dbSNP rs2125565562, ClinGen allele CA350703473.

ClinVar aggregate classification (germline): Uncertain significance (1 of 4 stars; one submission).

Submission:

Labcorp Genetics (formerly Invitae), Labcorp
Classification: Uncertain significance. Last evaluated: 2021-06-17. Review status: criteria provided, single submitter. Criteria: Invitae Variant Classification Sherloc (09022015). Collection method: clinical testing. Allele origin: germline.
Comment: In summary, the available evidence is currently insufficient to determine the role of this variant in disease. Therefore, it has been classified as a Variant of Uncertain Significance. Algorithms developed to predict the effect of missense changes on protein structure and function are either unavailable or do not agree on the potential impact of this missense change (SIFT: "Deleterious"; PolyPhen-2: "Benign"; Align-GVGD: "Class C0"). This variant has not been reported in the literature in individuals with SPEG-related conditions. This variant is not present in population databases (ExAC no frequency). This sequence change replaces serine with glycine at codon 2543 of the SPEG protein (p.Ser2543Gly). The serine residue is highly conserved and there is a small physicochemical difference between serine and glycine.